The following is an entry in ClinVar:

ClinVar aggregate classification (germline): Likely pathogenic (1 of 4 stars; one submission).

Conditions:
Kabuki syndrome 2 (KABUK2). Also called: KDM6A-Related Kabuki Syndrome. Identifiers: Orphanet 2322, MedGen C3275495, MONDO:0010465, OMIM 300867.

Submission:

Labcorp Genetics (formerly Invitae), Labcorp
Classification: Likely pathogenic for Kabuki syndrome 2. Last evaluated: 2023-08-16. Review status: criteria provided, single submitter. Criteria: Invitae Variant Classification Sherloc (09022015). Collection method: clinical testing. Allele origin: germline.
Comment: In summary, the currently available evidence indicates that the variant is pathogenic, but additional data are needed to prove that conclusively. Therefore, this variant has been classified as Likely Pathogenic. Algorithms developed to predict the effect of sequence changes on RNA splicing suggest that this variant may disrupt the consensus splice site. This variant has not been reported in the literature in individuals affected with KDM6A-related conditions. This variant is not present in population databases (gnomAD no frequency). This sequence change affects a donor splice site in intron 16 of the KDM6A gene. It is expected to disrupt RNA splicing. Variants that disrupt the donor or acceptor splice site typically lead to a loss of protein function (PMID: 16199547), and loss-of-function variants in KDM6A are known to be pathogenic (PMID: 23076834, 23913813).

Literature cited by the submitters: PubMed 16199547; PubMed 23076834; PubMed 23913813.

NM_001291415.2(KDM6A):c.2079+1G>A

Gene: KDM6A (lysine demethylase 6A; plus strand). Cytogenetic location: Xp11.3.
Variant type: single nucleotide variant.
Coding change: c.2079+1G>A on transcript NM_001291415.2 (MANE Select); the canonical splice donor site of the intron after coding-DNA position 2079, G replaced by A.
Molecular consequence: splice donor variant.
Genome position (GRCh38, 1-based): chrX:45,063,818, G>A. VCF-style: chrX-45063818-G-A. GRCh37 (hg19) VCF-style: chrX-44923063-G-A.
Other names: c.2079+1G>A (NM_001419809.1); c.1977+1G>A (NM_001419810.1, NM_001419813.1); c.1923+1G>A (NM_001419812.1, NM_021140.4); c.1821+1G>A (NM_001419814.1, NM_001410742.1); c.1944+1G>A (NM_001419811.1, NM_001291416.2); c.1788+1G>A (NM_001291417.2); c.1686+1G>A (NM_001419815.1, NM_001291418.2); c.1035+1G>A (NM_001291421.2).
Identifiers: ClinVar variation 2753088 (VCV002753088.3), dbSNP rs2044409446, ClinGen allele CA412791148.